The following is an entry in ClinVar:

NM_005148.4(UNC119):c.584A>T (p.Asp195Val)

Gene: UNC119 (unc-119 lipid binding chaperone; minus strand). Cytogenetic location: 17q11.2.
Variant type: single nucleotide variant.
Coding change: c.584A>T on transcript NM_005148.4 (MANE Select); coding-DNA position 584, A replaced by T.
Protein change: p.Asp195Val; replaces aspartic acid 195 with valine.
Molecular consequence: missense variant.
Genome position (GRCh38, 1-based): chr17:28,547,703, T>A on the plus strand (A>T on the coding strand, the complement: UNC119 is on the minus strand). VCF-style: chr17-28547703-T-A. GRCh37 (hg19) VCF-style: chr17-26874721-T-A.
Other names: c.299A>T, p.Asp100Val (NM_001330166.2); c.584A>T, p.Asp195Val (NM_054035.2); short protein forms D100V, D195V.
Identifiers: ClinVar variation 2965777 (VCV002965777.3), dbSNP rs2508463373, ClinGen allele CA398330588.

ClinVar aggregate classification (germline): Uncertain significance (1 of 4 stars; one submission).

gnomAD v4.1: 4 of 1,613,886 alleles (0.00025%); highest among the groups gnomAD compares: Non-Finnish European, 0.00025%; no homozygotes.

Submission:

Labcorp Genetics (formerly Invitae), Labcorp
Classification: Uncertain significance. Last evaluated: 2023-06-27. Review status: criteria provided, single submitter. Criteria: Invitae Variant Classification Sherloc (09022015). Collection method: clinical testing. Allele origin: germline.
Comment: This variant has not been reported in the literature in individuals affected with UNC119-related conditions. In summary, the available evidence is currently insufficient to determine the role of this variant in disease. Therefore, it has been classified as a Variant of Uncertain Significance. An algorithm developed to predict the effect of missense changes on protein structure and function (PolyPhen-2) suggests that this variant is likely to be disruptive. This variant is not present in population databases (gnomAD no frequency). This sequence change replaces aspartic acid, which is acidic and polar, with valine, which is neutral and non-polar, at codon 195 of the UNC119 protein (p.Asp195Val).